The following is an entry in ClinVar:

NC_000005.10:g.33985072_33985075del

Gene: SLC45A2 (solute carrier family 45 member 2; minus strand). Cytogenetic location: 5p13.2.
Variant type: Deletion.
Genome position: GRCh38 VCF-style: chr5-33985071-ACATT-A. GRCh37 (hg19) VCF-style: chr5-33985176-ACATT-A.
Other names: c.-492_-489del (NM_016180.5).
Identifiers: ClinVar variation 1008770 (VCV001008770.10), dbSNP rs984225803, ClinGen allele CA116904422.

ClinVar aggregate classification (germline): Pathogenic/Likely pathogenic. Review status: criteria provided, multiple submitters, no conflicts (2 of 4 stars). 3 submissions from 3 submitters: Pathogenic (2); Likely pathogenic (1). Last evaluated 2026-01-28.

Conditions:
Oculocutaneous albinism type 4 (OCA4). Also called: Albinism, oculocutaneous, type IV. Identifiers: Orphanet 79435, MedGen C1847836, MONDO:0011683, OMIM 606574.
SKIN/HAIR/EYE PIGMENTATION 5, BLACK/NONBLACK HAIR (SHEP5). Also called: SKIN/HAIR/EYE PIGMENTATION, VARIATION IN, 5; SKIN/HAIR/EYE PIGMENTATION 5, DARK/FAIR SKIN; SKIN/HAIR/EYE PIGMENTATION 5, DARK/LIGHT EYES. Identifiers: MedGen C2673584, OMIM 227240.
SLC45A2-related disorder. Also called: SLC45A2-related condition.

Allele frequency attached by ClinVar (database versions not stated): gnomAD 0.00207 and 0.00188; TOPMed 0.00194.

Submissions (3):

Labcorp Genetics (formerly Invitae), Labcorp
Classification: Pathogenic. Last evaluated: 2026-01-28. Review status: criteria provided, single submitter. Criteria: Invitae Variant Classification Sherloc (09022015). Collection method: clinical testing. Allele origin: germline.
Comment: This variant occurs in a non-coding region of the SLC45A2 gene. It does not change the encoded amino acid sequence of the SLC45A2 protein. This variant is present in population databases (no rsID available, gnomAD 0.7%), and has an allele count higher than expected for a pathogenic variant. This variant has been observed in individual(s) with clinical features of oculocutaneous albinism type 4 (PMID: 30019506, 30809845, 32686196, 32969595; internal data). In at least one individual the data is consistent with being in trans (on the opposite chromosome) from a pathogenic variant. It has also been observed to segregate with disease in related individuals. Studies have shown that this variant alters SLC45A2 gene expression (PMID: 30019506). For these reasons, this variant has been classified as Pathogenic.

Blueprint Genetics
Classification: Likely pathogenic for SLC45A2-related disorders. Last evaluated: 2024-11-25. Review status: criteria provided, single submitter. Criteria: ACMG Guidelines, 2015. Collection method: clinical testing. Allele origin: germline. Affected: yes. Observed: 5 variant alleles.

Juno Genomics, Hangzhou Juno Genomics, Inc
Classification: Pathogenic for SKIN/HAIR/EYE PIGMENTATION 5, BLACK/NONBLACK HAIR; Oculocutaneous albinism type 4. Review status: criteria provided, single submitter. Criteria: ACMG Guidelines, 2015. Collection method: clinical testing. Allele origin: germline.
Comment: For recessive disorders, detected in trans with a pathogenic variant.;Co-segregation with disease in multiple affected family members.;Patient's phenotype or family history is highly specific for a disease with a single genetic etiology.

Literature cited by the submitters: PubMed 30019506 (cited by Labcorp Genetics (formerly Invitae), Labcorp); PubMed 30809845 (cited by Labcorp Genetics (formerly Invitae), Labcorp); PubMed 32686196 (cited by Labcorp Genetics (formerly Invitae), Labcorp); PubMed 32969595 (cited by Labcorp Genetics (formerly Invitae), Labcorp).